The following is an entry in ClinVar:

NM_152701.5(ABCA13):c.1616A>C (p.Glu539Ala)

Genes: ABCA13 (ATP binding cassette subfamily A member 13; plus strand), LOC126860027 (CDK7 strongly-dependent group 2 enhancer GRCh37_chr7:48284398-48285597; plus strand). Cytogenetic location: 7p12.3.
Variant type: single nucleotide variant.
Coding change: c.1616A>C on transcript NM_152701.5 (MANE Select); coding-DNA position 1616, A replaced by C.
Protein change: p.Glu539Ala; replaces glutamic acid 539 with alanine.
Molecular consequence: missense variant.
Genome position (GRCh38, 1-based): chr7:48,245,987, A>C. VCF-style: chr7-48245987-A-C. GRCh37 (hg19) VCF-style: chr7-48285584-A-C.
Other names: short protein forms E539A.
Identifiers: ClinVar variation 4991493 (VCV004991493.1).

ClinVar aggregate classification (germline): Uncertain significance (1 of 4 stars; one submission).

Conditions:
ABCA13-related disorder. Also called: ABCA13-related condition.

gnomAD v4.1: 2 of 1,613,672 alleles (0.00012%); highest among the groups gnomAD compares: African/African-American, 0.0013%; no homozygotes.

Submission:

PreventionGenetics, part of Exact Sciences
Classification: Uncertain significance for ABCA13-related condition. Last evaluated: 2026-08-21. Review status: criteria provided, single submitter. Criteria: ACMG Guidelines, 2015. Collection method: clinical testing. Allele origin: germline.
Comment: The ABCA13 c.1616A>C variant is predicted to result in the amino acid substitution p.Glu539Ala. To our knowledge, this variant has not been reported in the literature or in a large population database (gnomAD), indicating this variant is rare. At this time, the clinical significance of this variant is uncertain due to the absence of conclusive functional and genetic evidence.